The following is an entry in ClinVar:

ClinVar aggregate classification (germline): Pathogenic (1 of 4 stars; one submission).

Conditions:
Hereditary cancer-predisposing syndrome. Also called: Neoplastic Syndromes, Hereditary; Tumor predisposition; Hereditary Cancer Syndrome; Hereditary neoplastic syndrome. Identifiers: Orphanet 140162, MedGen C0027672, MeSH D009386, MONDO:0015356.

Submission:

Ambry Genetics
Classification: Pathogenic for Hereditary cancer-predisposing syndrome. Last evaluated: 2019-05-31. Review status: criteria provided, single submitter. Criteria: Ambry Variant Classification Scheme 2023. Collection method: clinical testing. Allele origin: germline.
Comment: The c.168_169delGC pathogenic mutation, located in coding exon 1 of the MSH6 gene, results from a deletion of two nucleotides at nucleotide positions 168 to 169, causing a translational frameshift with a predicted alternate stop codon. This alteration is expected to result in loss of function by premature protein truncation or nonsense-mediated mRNA decay. As such, this alteration is interpreted as a disease-causing mutation.

NM_000179.3(MSH6):c.168_169del (p.Pro57fs)

Gene: MSH6 (mutS homolog 6; plus strand). Cytogenetic location: 2p16.3.
Variant type: Deletion.
Coding change: c.168_169del on transcript NM_000179.3 (MANE Select); coding-DNA positions 168 to 169, 2 bases deleted (GC; older notation c.168_169delGC).
Protein change: p.Pro57fs; shifts the reading frame from proline 57.
Molecular consequence: frameshift variant. On other transcripts: 5 prime UTR variant (1).
Genome position (GRCh38, 1-based): chr2:47,783,401-47,783,402, GC deleted. VCF-style (leftmost placement, unchanged base first): chr2-47783400-GGC-G. GRCh37 (hg19) VCF-style: chr2-48010539-GGC-G.
Other names: c.168_169del, p.Pro57fs (NM_001281492.2); c.-569_-568del (NM_001281493.2); c.168_169delGC, p.Pro57Glnfs (NM_001406795.1, NM_001406796.1, NM_001406798.1 and 8 more transcripts); c.-161_-160delGC (NM_001406799.1); c.113_114delGC, p.Gly38Alafs (NM_001406804.1); c.-761_-760delGC (NM_001406807.1); c.-569_-568delGC (NM_001406811.1); c.-416_-415delGC (NM_001406812.1); and 2 more; short protein forms P57fs.
Identifiers: ClinVar variation 1777891 (VCV001777891.2), dbSNP rs2530320378, ClinGen allele CA2580067081.